The following is an entry in ClinVar:

NM_000465.4(BARD1):c.263C>G (p.Thr88Ser)

Gene: BARD1 (BRCA1 associated RING domain 1; minus strand). Cytogenetic location: 2q35.
Variant type: single nucleotide variant.
Coding change: c.263C>G on transcript NM_000465.4 (MANE Select); coding-DNA position 263, C replaced by G.
Protein change: p.Thr88Ser; replaces threonine 88 with serine.
Molecular consequence: missense variant. On other transcripts: intron variant (2), non-coding transcript variant (1).
Genome position (GRCh38, 1-based): chr2:214,792,398, G>C on the plus strand (C>G on the coding strand, the complement: BARD1 is on the minus strand). VCF-style: chr2-214792398-G-C. GRCh37 (hg19) VCF-style: chr2-215657122-G-C.
Other names: c.215+4663C>G (NM_001282545.2); c.206C>G, p.Thr69Ser (NM_001282543.2); c.263C>G, p.Thr88Ser (NM_001282549.2); c.158+17014C>G (NM_001282548.2); short protein forms T69S, T88S.
Identifiers: ClinVar variation 3988230 (VCV003988230.1).

ClinVar aggregate classification (germline): Uncertain significance (1 of 4 stars; one submission).

Conditions:
Hereditary cancer-predisposing syndrome. Also called: Tumor predisposition; Hereditary neoplastic syndrome; Neoplastic Syndromes, Hereditary; Hereditary Cancer Syndrome. Identifiers: Orphanet 140162, MedGen C0027672, MeSH D009386, MONDO:0015356.

Submission:

Ambry Genetics
Classification: Uncertain significance for Hereditary cancer-predisposing syndrome. Last evaluated: 2025-03-16. Review status: criteria provided, single submitter. Criteria: Ambry Variant Classification Scheme 2023. Collection method: clinical testing. Allele origin: germline.
Comment: The p.T88S variant (also known as c.263C>G), located in coding exon 3 of the BARD1 gene, results from a C to G substitution at nucleotide position 263. The threonine at codon 88 is replaced by serine, an amino acid with similar properties. This amino acid position is conserved. In addition, this alteration is predicted to be tolerated by in silico analysis. Based on the available evidence, the clinical significance of this variant remains unclear.